The following is an entry in ClinVar:

ClinVar aggregate classification (germline): Likely benign. Review status: criteria provided, multiple submitters, no conflicts (2 of 4 stars). 2 submissions from 2 submitters: Likely benign (2). Last evaluated 2023-07-01.

Allele frequency attached by ClinVar (database versions not stated): ExAC 0.00047; gnomAD exomes 0.00054 and 0.00096; TOPMed 0.00070; gnomAD 0.00074 and 0.00076; ESP Exome Variant Server 0.00100.
gnomAD v4.1: 1,460 of 1,566,922 alleles (0.093%); highest among the groups gnomAD compares: Non-Finnish European, 0.12%; 3 homozygotes.

Submissions (2):

CeGaT Center for Human Genetics Tuebingen
Classification: Likely benign. Last evaluated: 2023-07-01. Review status: criteria provided, single submitter. Criteria: CeGaT Center For Human Genetics Tuebingen Variant Classification Criteria Version 2. Collection method: clinical testing. Allele origin: germline. Affected: yes. Observed: 1 variant allele.
Comment: CRTC1: BP4, BP7

Labcorp Genetics (formerly Invitae), Labcorp
Classification: Likely benign. Last evaluated: 2018-06-06. Review status: criteria provided, single submitter. Criteria: Invitae Variant Classification Sherloc (09022015). Collection method: clinical testing. Allele origin: germline.

NM_015321.3(CRTC1):c.1740T>G (p.Ser580=)

Gene: CRTC1 (CREB regulated transcription coactivator 1; plus strand). Cytogenetic location: 19p13.11.
Variant type: single nucleotide variant.
Coding change: c.1740T>G on transcript NM_015321.3 (MANE Select); coding-DNA position 1740, T replaced by G.
Protein change: p.Ser580=; no amino-acid change (serine 580 retained).
Molecular consequence: synonymous variant.
Genome position (GRCh38, 1-based): chr19:18,777,217, T>G. VCF-style: chr19-18777217-T-G. GRCh37 (hg19) VCF-style: chr19-18888027-T-G.
Other names: c.1788T>G, p.Ser596= (NM_001098482.2).
Identifiers: ClinVar variation 708132 (VCV000708132.27), dbSNP rs144909160, ClinGen allele CA9315985.
Genomic context (GRCh38, chr19:18,777,217, plus strand): 5'-ACCCCATCCCCCAGTGACAGGAGAGTCCCCCCCCAGCCTCTCTAAAGAACTGACCAGCTC[T>G]CTGGCCGGGGTCGGCGACGTCAGCTTCGACTCCGACAGCCAGTTTCCCCTGGACGAACTC-3'
Protein context (NP_056136.2, residues 570-590): PPSLSKELTS[Ser580=]LAGVGDVSFD